The following is an entry in ClinVar:

ClinVar aggregate classification (germline): Benign (1 of 4 stars; one submission).

Conditions:
DICER1-related tumor predisposition. Also called: DICER1 syndrome; DICER1-related pleuropulmonary blastoma cancer predisposition syndrome. Identifiers: Orphanet 284343, MedGen C3839822, MONDO:0100216.

Submission:

Myriad Genetics, Inc.
Classification: Benign for DICER1-related tumor predisposition. Last evaluated: 2026-04-20. Review status: criteria provided, single submitter. Criteria: Myriad Autosomal Dominant, Autosomal Recessive and X-Linked Classification Criteria (2023). Collection method: clinical testing. Allele origin: unknown.
Comment: This variant is considered benign. This variant is a silent/synonymous amino acid change and it is not expected to impact splicing.

NM_177438.3(DICER1):c.5067T>C (p.His1689=)

Gene: DICER1 (dicer 1, ribonuclease III; minus strand). Cytogenetic location: 14q32.13.
Variant type: single nucleotide variant.
Coding change: c.5067T>C on transcript NM_177438.3 (MANE Select); coding-DNA position 5067, T replaced by C.
Protein change: p.His1689=; no amino-acid change (histidine 1689 retained).
Molecular consequence: synonymous variant. On other transcripts: non-coding transcript variant (6).
Genome position (GRCh38, 1-based): chr14:95,095,853, A>G on the plus strand (T>C on the coding strand, the complement: DICER1 is on the minus strand). VCF-style: chr14-95095853-A-G. GRCh37 (hg19) VCF-style: chr14-95562190-A-G.
Other names: c.5067T>C, p.His1689= (NM_001195573.1, NM_001271282.3, NM_001291628.2 and 12 more transcripts); c.4785T>C, p.His1595= (NM_001395686.1); c.4662T>C, p.His1554= (NM_001395687.1, NM_001395688.1, NM_001395689.1 and 2 more transcripts); c.4500T>C, p.His1500= (NM_001395691.1); c.3384T>C, p.His1128= (NM_001395697.1).
Identifiers: ClinVar variation 4875888 (VCV004875888.1).
Genomic context (GRCh38, chr14:95,095,853, plus strand): 5'-CCAGAAATGAAGTCTGGTCGTGGGCTCCTTACCAGTGATAGTATTGTAGTGGTAGGAGGC[A>G]TGTGTAAAAGCCTGGAGAAGGTAAGCCTTATTCTTGAATCTGTAGTTGATTTTCTTTTCA-3'
Protein context (NP_803187.1, residues 1679-1699): NKAYLLQAFT[His1689=]ASYHYNTITD